The following is an entry in ClinVar:

NC_000019.9:g.(17442221_17443738)_(17445665_?)dup

Gene: ANO8 (anoctamin 8; minus strand). Cytogenetic location: 19p13.11.
Variant type: Duplication.
Identifiers: ClinVar variation 3907028 (VCV003907028.1).

ClinVar aggregate classification (germline): Uncertain significance (1 of 4 stars; one submission).

Submission:

Women's Health and Genetics/Laboratory Corporation of America, LabCorp
Classification: Uncertain significance. Last evaluated: 2025-06-18. Review status: criteria provided, single submitter. Criteria: LabCorp Variant Classification Summary - May 2015. Collection method: clinical testing. Allele origin: germline.
Comment: Variant summary: The variant involves the duplication of exons 1-5 in the ANO8 gene. A presumed nomenclature of c.(?_-186)_(586+1_587-1)dup has been designated for the purposes of this classification. The exact breakpoint at the 5' end of this variant is unknown, therefore this duplication may extend upstream of the annotated region of this gene. It is predicted to duplicate a segment including the initiation codon, therefore its impact on the encoded protein is unknown. The frequency of this variant in the general population could not be determined/is considered unreliable, as metrics indicate poor data quality at this position the gnomAD database. The available data on variant occurrences in the general population are insufficient to allow any conclusion about variant significance. To our knowledge, no occurrence of c.(?_-186)_(586+1_587-1)dup in individuals affected with ANO8-Related Disorders and no experimental evidence demonstrating its impact on protein function have been reported. No submitters have cited clinical-significance assessments for this variant to ClinVar. Based on the evidence outlined above, the variant was classified as uncertain significance.